The following is an entry in ClinVar:

ClinVar aggregate classification (germline): Uncertain significance. Review status: criteria provided, multiple submitters, no conflicts (2 of 4 stars). 3 submissions from 3 submitters: Uncertain significance (3). Last evaluated 2023-10-20.

Conditions:
Inborn genetic diseases. Identifiers: MedGen C0950123, MeSH D030342.
3-methylglutaconic aciduria type 1 (MGCA1). Identifiers: Orphanet 67046, MedGen C0342727, MONDO:0009610, OMIM 250950.

Allele frequency attached by ClinVar (database versions not stated): ExAC 0.00001; TOPMed 0.00023; gnomAD exomes 0.00002 and 0.00004; gnomAD 0.00022 and 0.00017; ESP Exome Variant Server 0.00023.
gnomAD v4.1: 55 of 1,613,736 alleles (0.0034%); highest among the groups gnomAD compares: African/African-American, 0.073%; no homozygotes.

Submissions (3):

GeneDx
Classification: Uncertain significance. Last evaluated: 2023-10-20. Review status: criteria provided, single submitter. Criteria: GeneDx Variant Classification Process June 2021. Collection method: clinical testing. Allele origin: germline. Affected: yes.
Comment: In silico analysis supports that this missense variant has a deleterious effect on protein structure/function; Has not been previously published as pathogenic or benign to our knowledge

Labcorp Genetics (formerly Invitae), Labcorp
Classification: Uncertain significance for 3-methylglutaconic aciduria type 1. Last evaluated: 2023-09-13. Review status: criteria provided, single submitter. Criteria: Invitae Variant Classification Sherloc (09022015). Collection method: clinical testing. Allele origin: germline.
Comment: This sequence change replaces glycine, which is neutral and non-polar, with alanine, which is neutral and non-polar, at codon 155 of the AUH protein (p.Gly155Ala). This variant is present in population databases (rs377491933, gnomAD 0.07%). This variant has not been reported in the literature in individuals affected with AUH-related conditions. ClinVar contains an entry for this variant (Variation ID: 947236). Advanced modeling of protein sequence and biophysical properties (such as structural, functional, and spatial information, amino acid conservation, physicochemical variation, residue mobility, and thermodynamic stability) performed at Invitae indicates that this missense variant is not expected to disrupt AUH protein function. In summary, the available evidence is currently insufficient to determine the role of this variant in disease. Therefore, it has been classified as a Variant of Uncertain Significance.

Ambry Genetics
Classification: Uncertain significance for Inborn genetic diseases. Last evaluated: 2022-06-15. Review status: criteria provided, single submitter. Criteria: Ambry Variant Classification Scheme 2023. Collection method: clinical testing. Allele origin: germline.

NM_001698.3(AUH):c.464G>C (p.Gly155Ala)

Gene: AUH (AU RNA binding methylglutaconyl-CoA hydratase; minus strand). Cytogenetic location: 9q22.31.
Variant type: single nucleotide variant.
Coding change: c.464G>C on transcript NM_001698.3 (MANE Select); coding-DNA position 464, G replaced by C.
Protein change: p.Gly155Ala; replaces glycine 155 with alanine.
Molecular consequence: missense variant. On other transcripts: intron variant (1).
Genome position (GRCh38, 1-based): chr9:91,325,359, C>G on the plus strand (G>C on the coding strand, the complement: AUH is on the minus strand). VCF-style: chr9-91325359-C-G. GRCh37 (hg19) VCF-style: chr9-94087641-C-G.
Other names: c.137G>C, p.Gly46Ala (NM_001351431.2, NM_001351432.2, NM_001351433.2); c.419-27283G>C (NM_001306190.2); short protein forms G46A, G155A.
Identifiers: ClinVar variation 947236 (VCV000947236.10), dbSNP rs377491933, ClinGen allele CA5119848.